The following is an entry in ClinVar:

NM_004341.5(CAD):c.1249T>C (p.Ser417Pro)

Gene: CAD (carbamoyl-phosphate synthetase 2, aspartate transcarbamylase, and dihydroorotase; plus strand). Cytogenetic location: 2p23.3.
Variant type: single nucleotide variant.
Coding change: c.1249T>C on transcript NM_004341.5 (MANE Select); coding-DNA position 1249, T replaced by C.
Protein change: p.Ser417Pro; replaces serine 417 with proline.
Molecular consequence: missense variant.
Genome position (GRCh38, 1-based): chr2:27,224,485, T>C. VCF-style: chr2-27224485-T-C. GRCh37 (hg19) VCF-style: chr2-27447353-T-C.
Other names: c.1249T>C, p.Ser417Pro (NM_001306079.2); short protein forms S417P.
Identifiers: ClinVar variation 2663408 (VCV002663408.1), dbSNP rs1441125951, ClinGen allele CA346204025.

ClinVar aggregate classification (germline): Uncertain significance (1 of 4 stars; one submission).

Submission:

GeneDx
Classification: Uncertain significance. Last evaluated: 2023-05-03. Review status: criteria provided, single submitter. Criteria: GeneDx Variant Classification Process June 2021. Collection method: clinical testing. Allele origin: germline. Affected: yes.
Comment: Not observed at significant frequency in large population cohorts (gnomAD); In silico analysis supports that this missense variant has a deleterious effect on protein structure/function; Has not been previously published as pathogenic or benign to our knowledge